The following is an entry in ClinVar:

ClinVar aggregate classification (germline): Uncertain significance (1 of 4 stars; one submission).

Submission:

Labcorp Genetics (formerly Invitae), Labcorp
Classification: Uncertain significance. Last evaluated: 2025-11-17. Review status: criteria provided, single submitter. Criteria: Invitae Variant Classification Sherloc (09022015). Collection method: clinical testing. Allele origin: germline.
Comment: This variant, c.757_759del, results in the deletion of 1 amino acid(s) of the CCER2 protein (p.Lys253del), but otherwise preserves the integrity of the reading frame. This variant is present in population databases (rs772074446, gnomAD 0.2%), and has an allele count higher than expected for a pathogenic variant. This variant has not been reported in the literature in individuals affected with CCER2-related conditions. Experimental studies and prediction algorithms are not available or were not evaluated, and the functional significance of this variant is currently unknown. Algorithms developed to predict the effect of sequence changes on RNA splicing suggest that this variant may create or strengthen a splice site. In summary, the available evidence is currently insufficient to determine the role of this variant in disease. Therefore, it has been classified as a Variant of Uncertain Significance.

NM_001243212.2(CCER2):c.754AAG[1] (p.Lys253del)

Gene: CCER2 (coiled-coil glutamate rich protein 2; minus strand). Cytogenetic location: 19q13.2.
Variant type: Microsatellite.
Coding change: c.754AAG[1] on transcript NM_001243212.2 (MANE Select); one copy of the 3-base unit AAG starting at c.754; the reference has two copies in a row; one copy, 3 bases deleted.
Protein change: p.Lys253del; deletes lysine 253.
Molecular consequence: inframe deletion.
Genome position (GRCh38, 1-based): chr19:38,909,278-38,909,280, CTT deleted on the plus strand (AAG on the coding strand, the reverse complement: CCER2 is on the minus strand); deleting any 3 consecutive bases within chr19:38,909,278-38,909,284 gives the same sequence; the position shown is the placement nearest the transcript's 3' end. VCF-style (leftmost placement, unchanged base first): chr19-38909277-CCTT-C. GRCh37 (hg19) VCF-style: chr19-39399917-CCTT-C.
Other names: short protein forms K253del.
Identifiers: ClinVar variation 1428831 (VCV001428831.8), dbSNP rs772074446, ClinGen allele CA9422538.